The following is an entry in ClinVar:

ClinVar aggregate classification (germline): Pathogenic (1 of 4 stars; one submission).

Conditions:
Retinitis pigmentosa 11 (RP11). Identifiers: Orphanet 791, MedGen C1838601, MONDO:0010828, OMIM 600138.

Submission:

Broad Center for Mendelian Genomics, Broad Institute of MIT and Harvard
Classification: Pathogenic for Retinitis pigmentosa 11. Last evaluated: 2023-08-24. Review status: criteria provided, single submitter. Criteria: ACMG/ClinGen CNV Guidelines, 2019. Collection method: research. Allele origin: unknown. Inheritance: Autosomal dominant inheritance. Affected: yes.
Comment: A heterozygous deletion of exons 1-9 in PRPF31 (NM_015629.4) was identified by exome sequencing in one individual with retinitis pigmentosa ([GRCh 38] chr19:54105500_54126715x1)(PMID: 34906470). The presence of this deletion was validated by ddPCR. These breakpoints have been estimated by exome sequencing only and therefore may not reflect the true breakpoints. Inheritance information is unavailable. The patient phenotype is nonspecific, but is consistent with cases described in the literature and/or published databases with overlapping variants. There is partial overlap with the 5’ end of the PRPF31 gene including coding sequence (NMD is expected to occur). This alteration is then predicted to lead to a truncated or absent protein. Although the PRPF31 gene has not yet been evaluated by the ClinGen dosage sensitivity working group, the full gene deletion of PRPF31 has been curated as pathogenic by the Broad Institute Rare Disease Group (Broad Institute) due to a sufficient number LoF variants in this gene being identified individuals and/or families with retinitis pigmentosa (PMID: 29260190, 29957067, 22334370, 30543658), and therefore heterozygous loss of function of the PRPF31 gene is strongly associated to PRPF31-related retinopathy. In summary, this variant meets criteria to be classified as pathogenic for autosomal dominant retinitis pigmentosa. The ACMG/ClinGen evidence codes and points used in this curation are as follows: 1: 0 points, 2: 0.90 points, 3: 0 points, 4-5: 0.10 points; Total: 1.0 points; Riggs 2020 (PMID: 31690835).

Literature cited by the submitters: PubMed 34906470; PubMed 29260190; PubMed 29957067; PubMed 22334370; PubMed 30543658.

GRCh38/hg38 19q13.42(chr19:54105500-54126715)x1

Genes: NDUFA3 (NADH:ubiquinone oxidoreductase subunit A3; plus strand), PRPF31 (pre-mRNA processing factor 31; plus strand), PRPF31-AS1 (PRPF31 antisense RNA 1; minus strand), TFPT (TCF3 fusion partner; minus strand). Cytogenetic location: 19q13.42.
Variant type: copy number loss.
Change: copy number 1 (one copy instead of two) of chr19:54,105,500-54,126,715 (21.2 kb, GRCh38 coordinates, 1-based), cytogenetic band 19q13.42.
Identifiers: ClinVar variation 2579242 (VCV002579242.1).